The following is an entry in ClinVar:

ClinVar aggregate classification (germline): Uncertain significance (1 of 4 stars; one submission).

Conditions:
Neuropathy, hereditary sensory and autonomic, type 2A (HSAN2A). Also called: ACROOSTEOLYSIS, GIACCAI TYPE; ACROOSTEOLYSIS, NEUROGENIC; MORVAN DISEASE; NEUROPATHY, CONGENITAL SENSORY; NEUROPATHY, HEREDITARY SENSORY RADICULAR, AUTOSOMAL RECESSIVE; NEUROPATHY, HEREDITARY SENSORY, TYPE IIA. Identifiers: Orphanet 970, MedGen C2752089, MONDO:0024309, OMIM 201300.
Pseudohypoaldosteronism type 2C (PHA2C). Also called: Pseudohypoaldosteronism Type IIC. Identifiers: Orphanet 757, Orphanet 88940, MedGen C1840391, MONDO:0013778, OMIM 614492.

Allele frequency attached by ClinVar (database versions not stated): ExAC 0.00001; TOPMed below 0.00001.

Submission:

Labcorp Genetics (formerly Invitae), Labcorp
Classification: Uncertain significance for Neuropathy, hereditary sensory and autonomic, type 2A; Pseudohypoaldosteronism type 2C. Last evaluated: 2024-01-08. Review status: criteria provided, single submitter. Criteria: Invitae Variant Classification Sherloc (09022015). Collection method: clinical testing. Allele origin: germline.
Comment: This sequence change replaces threonine, which is neutral and polar, with alanine, which is neutral and non-polar, at codon 2222 of the WNK1 protein (p.Thr2222Ala). This variant is present in population databases (rs757502902, gnomAD 0.0009%). This variant has not been reported in the literature in individuals affected with WNK1-related conditions. ClinVar contains an entry for this variant (Variation ID: 2192127). Advanced modeling of protein sequence and biophysical properties (such as structural, functional, and spatial information, amino acid conservation, physicochemical variation, residue mobility, and thermodynamic stability) performed at Invitae indicates that this missense variant is not expected to disrupt WNK1 protein function with a negative predictive value of 95%. In summary, the available evidence is currently insufficient to determine the role of this variant in disease. Therefore, it has been classified as a Variant of Uncertain Significance.

NM_018979.4(WNK1):c.5908A>G (p.Thr1970Ala)

Gene: WNK1 (WNK lysine deficient protein kinase 1; plus strand). Cytogenetic location: 12p13.33.
Variant type: single nucleotide variant.
Coding change: c.5908A>G on transcript NM_018979.4 (MANE Select); coding-DNA position 5908, A replaced by G.
Protein change: p.Thr1970Ala; replaces threonine 1970 with alanine.
Molecular consequence: missense variant.
Genome position (GRCh38, 1-based): chr12:896,395, A>G. VCF-style: chr12-896395-A-G. GRCh37 (hg19) VCF-style: chr12-1005561-A-G.
Other names: c.6688A>G, p.Thr2230Ala (NM_001184985.2); c.5164A>G, p.Thr1722Ala (NM_014823.3); c.6664A>G, p.Thr2222Ala (NM_213655.5); short protein forms T1722A, T1970A, T2222A, T2230A.
Identifiers: ClinVar variation 2192127 (VCV002192127.4), dbSNP rs757502902, ClinGen allele CA6383298.